The following is an entry in ClinVar:

ClinVar aggregate classification (germline): Uncertain significance (1 of 4 stars; one submission).

Conditions:
Multiple endocrine neoplasia type 4. Also called: MULTIPLE ENDOCRINE NEOPLASIA, TYPE IV. Identifiers: Orphanet 276152, MedGen C1970712, MONDO:0012552, OMIM 610755.

Submission:

Labcorp Genetics (formerly Invitae), Labcorp
Classification: Uncertain significance for Multiple endocrine neoplasia type 4. Last evaluated: 2018-02-14. Review status: criteria provided, single submitter. Criteria: Invitae Variant Classification Sherloc (09022015). Collection method: clinical testing. Allele origin: germline.
Comment: This variant has not been reported in the literature in individuals with CDKN1B-related disease. This variant is not present in population databases (ExAC no frequency). This sequence change replaces threonine with serine at codon 135 of the CDKN1B protein (p.Thr135Ser). The threonine residue is highly conserved and there is a small physicochemical difference between threonine and serine. Algorithms developed to predict the effect of missense changes on protein structure and function output the following: SIFT: "Tolerated"; PolyPhen-2: "Benign"; Align-GVGD: "Class C15". The serine amino acid residue is found in multiple mammalian species, suggesting that this missense change does not adversely affect protein function. These predictions have not been confirmed by published functional studies and their clinical significance is uncertain. In summary, the available evidence is currently insufficient to determine the role of this variant in disease. Therefore, it has been classified as a Variant of Uncertain Significance.

NM_004064.5(CDKN1B):c.404C>G (p.Thr135Ser)

Gene: CDKN1B (cyclin dependent kinase inhibitor 1B; plus strand). Cytogenetic location: 12p13.1.
Variant type: single nucleotide variant.
Coding change: c.404C>G on transcript NM_004064.5 (MANE Select); coding-DNA position 404, C replaced by G.
Protein change: p.Thr135Ser; replaces threonine 135 with serine.
Molecular consequence: missense variant.
Genome position (GRCh38, 1-based): chr12:12,718,243, C>G. VCF-style: chr12-12718243-C-G. GRCh37 (hg19) VCF-style: chr12-12871177-C-G.
Other names: short protein forms T135S.
Identifiers: ClinVar variation 583222 (VCV000583222.8), dbSNP rs1565419638, ClinGen allele CA383970632.